The following is an entry in ClinVar:

NM_000352.6(ABCC8):c.343A>G (p.Met115Val)

Gene: ABCC8 (ATP binding cassette subfamily C member 8; minus strand). Cytogenetic location: 11p15.1.
Variant type: single nucleotide variant.
Coding change: c.343A>G on transcript NM_000352.6 (MANE Select); coding-DNA position 343, A replaced by G.
Protein change: p.Met115Val; replaces methionine 115 with valine.
Molecular consequence: missense variant. On other transcripts: non-coding transcript variant (1).
Genome position (GRCh38, 1-based): chr11:17,470,170, T>C on the plus strand (A>G on the coding strand, the complement: ABCC8 is on the minus strand). VCF-style: chr11-17470170-T-C. GRCh37 (hg19) VCF-style: chr11-17491717-T-C.
Other names: c.343A>G, p.Met115Val (NM_001287174.3, NM_001351295.2, NM_001351296.2 and 1 more transcripts); short protein forms M115V.
Identifiers: ClinVar variation 632057 (VCV000632057.15), dbSNP rs146695489, ClinGen allele CA5903905.

ClinVar aggregate classification (germline): Conflicting classifications of pathogenicity. Review status: criteria provided, conflicting classifications (1 of 4 stars). 6 submissions from 6 submitters: Likely pathogenic (2); Uncertain significance (4). Last evaluated 2025-12-23.

Conditions:
Hyperinsulinemic hypoglycemia, familial, 1 (HHF1). Also called: Persistent hyperinsulinemic hypoglycemia of infancy; Persistent Hyperinsulinemia Hypoglycemia of Infancy; HYPERINSULINISM, FAMILIAL, WITH PANCREATIC NESIDIOBLASTOSIS; HYPOGLYCEMIA, HYPERINSULINEMIC, OF INFANCY; NESIDIOBLASTOSIS OF PANCREAS. Identifiers: Orphanet 276575, Orphanet 276598, MedGen C2931832, MONDO:0009734, OMIM 256450.
Permanent neonatal diabetes mellitus (PNDM). Identifiers: Orphanet 99885, MedGen C1833104, MONDO:0100164, MONDO:0011643. Disease mechanism: gain of function.
Diabetes mellitus, permanent neonatal 3. Also called: ABCC8-Related Permanent Neonatal Diabetes Mellitus. Identifiers: MedGen C5394303, MONDO:0030088, OMIM 618857.

Allele frequency attached by ClinVar (database versions not stated): gnomAD below 0.00001 and 0.00007; TOPMed 0.00001; ESP Exome Variant Server 0.00008; gnomAD exomes 0.00025; ExAC 0.00030.

Submissions (6):

Labcorp Genetics (formerly Invitae), Labcorp
Classification: Likely pathogenic. Last evaluated: 2025-12-23. Review status: criteria provided, single submitter. Criteria: Invitae Variant Classification Sherloc (09022015). Collection method: clinical testing. Allele origin: germline.
Comment: This sequence change replaces methionine, which is neutral and non-polar, with valine, which is neutral and non-polar, at codon 115 of the ABCC8 protein (p.Met115Val). This variant is present in population databases (rs146695489, gnomAD 0.2%). This missense change has been observed in individual(s) with autosomal recessive congenital hyperinsulinism (PMID: 24080777). In at least one individual the data is consistent with being in trans (on the opposite chromosome) from a pathogenic variant. ClinVar contains an entry for this variant (Variation ID: 632057). Invitae Evidence Modeling of protein sequence and biophysical properties (such as structural, functional, and spatial information, amino acid conservation, physicochemical variation, residue mobility, and thermodynamic stability) indicates that this missense variant is not expected to disrupt ABCC8 protein function with a negative predictive value of 95%. In summary, the currently available evidence indicates that the variant is pathogenic, but additional data are needed to prove that conclusively. Therefore, this variant has been classified as Likely Pathogenic.

Myriad Genetics, Inc.
Classification: Uncertain significance for Hyperinsulinemic hypoglycemia, familial, 1. Last evaluated: 2025-12-17. Review status: criteria provided, single submitter. Criteria: Myriad Autosomal Dominant, Autosomal Recessive and X-Linked Classification Criteria (2023). Collection method: clinical testing. Allele origin: unknown.
Comment: NM_000352.3(ABCC8):c.343A>G(M115V) is a missense variant classified as a variant of uncertain significance in the context of familial hyperinsulinism, ABCC8-related. M115V has been observed in a case with relevant disease (PMID: 24080777). Relevant functional assessments of this variant are not available in the literature. M115V has been observed in referenced population frequency databases. In summary, there is insufficient evidence to classify NM_000352.3(ABCC8):c.343A>G(M115V) as pathogenic or benign. Please note: this variant was assessed in the context of healthy population screening.

Genomic Medicine Center of Excellence, King Faisal Specialist Hospital and Research Centre
Classification: Likely pathogenic for Hyperinsulinemic hypoglycemia, familial, 1. Last evaluated: 2025-09-10. Review status: criteria provided, single submitter. Criteria: ACMG Guidelines, 2015. Collection method: clinical testing. Allele origin: germline.

Women's Health and Genetics/Laboratory Corporation of America, LabCorp
Classification: Uncertain significance. Last evaluated: 2025-05-20. Review status: criteria provided, single submitter. Criteria: LabCorp Variant Classification Summary - May 2015. Collection method: clinical testing. Allele origin: germline.
Comment: Variant summary: ABCC8 c.343A>G (p.Met115Val) results in a conservative amino acid change in the encoded protein sequence. Algorithms developed to predict the effect of missense changes on protein structure and function are either unavailable or do not agree on the potential impact of this missense change. The variant allele was found at a frequency of 0.00025 in 251406 control chromosomes. This frequency is not significantly higher than estimated for a pathogenic variant in ABCC8 causing Congenital Hyperinsulinism (0.00025 vs 0.0034), allowing no conclusion about variant significance. c.343A>G has been observed in compound heterozygous individual(s) affected with Congenital Hyperinsulinism (Celik_2013). These data do not allow any conclusion about variant significance. To our knowledge, no experimental evidence demonstrating an impact on protein function has been reported. The following publication has been ascertained in the context of this evaluation (PMID: 24080777). ClinVar contains an entry for this variant (Variation ID: 632057). Based on the evidence outlined above, the variant was classified as VUS-possibly pathogenic.

New York Genome Center
Classification: Uncertain significance for Diabetes mellitus, permanent neonatal 3; Hyperinsulinemic hypoglycemia, familial, 1; Type 2 diabetes mellitus. Last evaluated: 2023-05-03. Review status: criteria provided, single submitter. Criteria: NYGC Assertion Criteria 2020. Collection method: clinical testing. Allele origin: inherited. Observed: 1 heterozygote.
Comment: The inherited c.343A>G, p.(Met115Val) variant identified in the ABCC8 gene substitutes a conserved Methionine for Valine at amino acid115/1582 (exon 3/39). The c.343A>G variant is observed in 81 alleles (0.01% minor allele frequency with 0 homozygotes) in population databases (gnomAD v2.1.1 andv3.1.2, TOPMed Freeze 8, All of Us) including in 69 alleles (0.19%) in South Asian subpopulation (gnomAD v2.1.1 and v3.1.2(non-Topmed)). In silico algorithms predict this variant to be damaging to protein function (REVEL=0.706). The c.343A>G, p.(Met115Val) variant has been deposited in ClinVar as a Variant of Uncertain Significance (n=3), Likely Pathogenic (n=1), and Benign (n=1) (VarID:632057), and has been reported in compound heterozygosity with a second variant in an individual with CHI [PMID:24080777]. The p.Met115 residue is in the transmembrane domain (TMD0) of ABCC8, and nearby variants within the transmembrane domain have been reported in the literature in individuals with CHI [PMID:25201519]. Given the available evidence, the inherited c.343A>G, p.(Met115Val) variant identified in the ABCC8 gene is reported as a Variant of Uncertain Significance.

Illumina Laboratory Services, Illumina
Classification: Uncertain significance for Permanent neonatal diabetes mellitus 1. Last evaluated: 2017-04-28. Review status: criteria provided, single submitter. Criteria: ICSL Variant Classification Criteria 13 December 2019. Collection method: clinical testing. Allele origin: germline.

Literature cited by the submitters: PubMed 24080777 (cited by 3 submitters).